The following is an entry in ClinVar:

ClinVar aggregate classification (germline): Conflicting classifications of pathogenicity. Review status: criteria provided, conflicting classifications (1 of 4 stars). 2 submissions from 2 submitters: Uncertain significance (1); Likely benign (1). Last evaluated 2024-12-31.

Conditions:
Inborn genetic diseases. Identifiers: MedGen C0950123, MeSH D030342.
Vesicoureteral reflux 2 (VUR2). Identifiers: Orphanet 289365, MedGen C1970483, MONDO:0012573, OMIM 610878.

Allele frequency attached by ClinVar (database versions not stated): TOPMed 0.00002.
gnomAD v4.1: 4 of 1,613,970 alleles (0.00025%); highest among the groups gnomAD compares: Middle Eastern, 0.033%; no homozygotes.

Submissions (2):

Ambry Genetics
Classification: Uncertain significance for Inborn genetic diseases. Last evaluated: 2024-12-31. Review status: criteria provided, single submitter. Criteria: Ambry Variant Classification Scheme 2023. Collection method: clinical testing. Allele origin: germline.

Illumina Laboratory Services, Illumina
Classification: Likely benign for Vesicoureteral reflux 2. Last evaluated: 2018-03-06. Review status: criteria provided, single submitter. Criteria: ICSL Variant Classification Criteria 13 December 2019. Collection method: clinical testing. Allele origin: germline.
Comment: This variant was observed in the ICSL laboratory as part of a predisposition screen in an ostensibly healthy population. It had not been previously curated by ICSL or reported in the Human Gene Mutation Database (HGMD: prior to June 1st, 2018), and was therefore a candidate for classification through an automated scoring system. Utilizing variant allele frequency, disease prevalence and penetrance estimates, and inheritance mode, an automated score was calculated to assess if this variant is too frequent to cause the disease. Based on the score and internal cut-off values, a variant classified as likely benign is not then subjected to further curation. The score for this variant resulted in a classification of likely benign for this disease.

NM_001395656.1(ROBO2):c.3896G>T (p.Arg1299Leu)

Gene: ROBO2 (roundabout guidance receptor 2; plus strand). Cytogenetic location: 3p12.3.
Variant type: single nucleotide variant.
Coding change: c.3896G>T on transcript NM_001395656.1 (MANE Select); coding-DNA position 3896, G replaced by T.
Protein change: p.Arg1299Leu; replaces arginine 1299 with leucine.
Molecular consequence: missense variant. On other transcripts: intron variant (1).
Genome position (GRCh38, 1-based): chr3:77,634,993, G>T. VCF-style: chr3-77634993-G-T. GRCh37 (hg19) VCF-style: chr3-77684144-G-T.
Other names: c.3932G>T, p.Arg1311Leu (NM_001128929.3); c.3896G>T, p.Arg1299Leu (NM_001290039.2); c.4079G>T, p.Arg1360Leu (NM_001290040.2, NM_001394212.1, NM_001395657.1); c.2105G>T, p.Arg702Leu (NM_001290065.2); c.3944G>T, p.Arg1315Leu (NM_001378190.1, NM_001378200.1, NM_001378201.1); c.4070G>T, p.Arg1357Leu (NM_001378191.1, NM_001378195.1, NM_001378196.1); c.3965G>T, p.Arg1322Leu (NM_001378192.1, NM_001378198.1, NM_001378199.1); c.3884G>T, p.Arg1295Leu (NM_001378193.1, NM_002942.5); and 6 more; short protein forms R1295L, R1296L, R1315L, R1337L, R1360L, R1299L, R1311L, R1361L.
Identifiers: ClinVar variation 899790 (VCV000899790.6), dbSNP rs762523752, ClinGen allele CA2497779.